The following is an entry in ClinVar:

NM_006031.6(PCNT):c.5722C>A (p.Gln1908Lys)

Gene: PCNT (pericentrin; plus strand). Cytogenetic location: 21q22.3.
Variant type: single nucleotide variant.
Coding change: c.5722C>A on transcript NM_006031.6 (MANE Select); coding-DNA position 5722, C replaced by A.
Protein change: p.Gln1908Lys; replaces glutamine 1908 with lysine.
Molecular consequence: missense variant.
Genome position (GRCh38, 1-based): chr21:46,411,795, C>A. VCF-style: chr21-46411795-C-A. GRCh37 (hg19) VCF-style: chr21-47831709-C-A.
Other names: c.5368C>A, p.Gln1790Lys (NM_001315529.2); short protein forms Q1908K, Q1790K.
Identifiers: ClinVar variation 3929672 (VCV003929672.2).

ClinVar aggregate classification (germline): Uncertain significance. Review status: criteria provided, multiple submitters, no conflicts (2 of 4 stars). 2 submissions from 2 submitters: Uncertain significance (2). Last evaluated 2025-05-03.

Conditions:
Inborn genetic diseases. Identifiers: MedGen C0950123, MeSH D030342.
PCNT-related disorder. Also called: PCNT-related condition.

gnomAD v4.1: 11 of 1,594,436 alleles (0.00069%); highest among the groups gnomAD compares: Non-Finnish European, 0.00094%; no homozygotes.

Submissions (2):

Ambry Genetics
Classification: Uncertain significance for Inborn genetic diseases. Last evaluated: 2025-05-03. Review status: criteria provided, single submitter. Criteria: Ambry Variant Classification Scheme 2023. Collection method: clinical testing. Allele origin: germline.

PreventionGenetics, part of Exact Sciences
Classification: Uncertain significance for PCNT-related condition. Last evaluated: 2024-12-13. Review status: criteria provided, single submitter. Criteria: ACMG Guidelines, 2015. Collection method: clinical testing. Allele origin: germline.
Comment: The PCNT c.5722C>A variant is predicted to result in the amino acid substitution p.Gln1908Lys. To our knowledge, this variant has not been reported in the literature. This variant is absent in gnomAD. At this time, the clinical significance of this variant is uncertain due to the absence of conclusive functional and genetic evidence.